The following is an entry in ClinVar:

ClinVar aggregate classification (germline): Likely benign (0 of 4 stars; one submission).

Conditions:
ABCA7-related disorder. Also called: ABCA7-related condition.

Allele frequency attached by ClinVar (database versions not stated): ExAC 0.00151; 1000 Genomes Project 30x 0.00328; 1000 Genomes Project 0.00359.
gnomAD v4.1: 760 of 1,612,646 alleles (0.047%); highest among the groups gnomAD compares: East Asian, 1.3%; 8 homozygotes.

Submission:

PreventionGenetics, part of Exact Sciences
Classification: Likely benign for ABCA7-related condition. Last evaluated: 2020-07-27. Review status: no assertion criteria provided. Collection method: clinical testing. Allele origin: germline.
Comment: This variant is classified as likely benign based on ACMG/AMP sequence variant interpretation guidelines (Richards et al. 2015 PMID: 25741868, with internal and published modifications).

NM_019112.4(ABCA7):c.2892C>G (p.Asp964Glu)

Gene: ABCA7 (ATP binding cassette subfamily A member 7; plus strand). Cytogenetic location: 19p13.3.
Variant type: single nucleotide variant.
Coding change: c.2892C>G on transcript NM_019112.4 (MANE Select); coding-DNA position 2892, C replaced by G.
Protein change: p.Asp964Glu; replaces aspartic acid 964 with glutamic acid.
Molecular consequence: missense variant.
Genome position (GRCh38, 1-based): chr19:1,051,516, C>G. VCF-style: chr19-1051516-C-G. GRCh37 (hg19) VCF-style: chr19-1051515-C-G.
Other names: short protein forms D964E.
Identifiers: ClinVar variation 3040814 (VCV003040814.2), dbSNP rs117390715, ClinGen allele CA9033792.